The following is an entry in ClinVar:

NM_024753.5(TTC21B):c.2821T>C (p.Cys941Arg)

Gene: TTC21B (tetratricopeptide repeat domain 21B; minus strand). Cytogenetic location: 2q24.3.
Variant type: single nucleotide variant.
Coding change: c.2821T>C on transcript NM_024753.5 (MANE Select); coding-DNA position 2821, T replaced by C.
Protein change: p.Cys941Arg; replaces cysteine 941 with arginine.
Molecular consequence: missense variant.
Genome position (GRCh38, 1-based): chr2:165,899,817, A>G on the plus strand (T>C on the coding strand, the complement: TTC21B is on the minus strand). VCF-style: chr2-165899817-A-G. GRCh37 (hg19) VCF-style: chr2-166756327-A-G.
Other names: c.2821T>C (NM_024753.4); short protein forms C941R.
Identifiers: ClinVar variation 3975284 (VCV003975284.2).

ClinVar aggregate classification (germline): Uncertain significance. Review status: criteria provided, multiple submitters, no conflicts (2 of 4 stars). 2 submissions from 2 submitters: Uncertain significance (2). Last evaluated 2025-12-02.

Conditions:
TTC21B-related disorder. Also called: TTC21B-related condition; TTC21B-related disorders.
Inborn genetic diseases. Identifiers: MedGen C0950123, MeSH D030342.

gnomAD v4.1: 15 of 1,614,006 alleles (0.00093%); highest among the groups gnomAD compares: African/African-American, 0.0013%; no homozygotes.

Submissions (2):

PreventionGenetics, part of Exact Sciences
Classification: Uncertain significance for TTC21B-related condition. Last evaluated: 2025-12-02. Review status: criteria provided, single submitter. Criteria: ACMG Guidelines, 2015. Collection method: clinical testing. Allele origin: germline.
Comment: The TTC21B c.2821T>C variant is predicted to result in the amino acid substitution p.Cys941Arg. To our knowledge, this variant has not been reported in the literature. This variant is reported in 0.00088% of alleles in individuals of European (Non-Finnish) descent in gnomAD. At this time, the clinical significance of this variant is uncertain due to the absence of conclusive functional and genetic evidence.

Ambry Genetics
Classification: Uncertain significance for Inborn genetic diseases. Last evaluated: 2025-03-17. Review status: criteria provided, single submitter. Criteria: Ambry Variant Classification Scheme 2023. Collection method: clinical testing. Allele origin: germline.